The following is an entry in ClinVar:

NM_000141.5(FGFR2):c.826T>G (p.Phe276Val)

Gene: FGFR2 (fibroblast growth factor receptor 2; minus strand). Cytogenetic location: 10q26.13.
Variant type: single nucleotide variant.
Coding change: c.826T>G on transcript NM_000141.5 (MANE Select); coding-DNA position 826, T replaced by G.
Protein change: p.Phe276Val; replaces phenylalanine 276 with valine.
Molecular consequence: missense variant. On other transcripts: non-coding transcript variant (1), intron variant (1).
Genome position (GRCh38, 1-based): chr10:121,520,092, A>C on the plus strand (T>G on the coding strand, the complement: FGFR2 is on the minus strand). VCF-style: chr10-121520092-A-C. GRCh37 (hg19) VCF-style: chr10-123279606-A-C.
Other names: c.826T>G, p.Phe276Val (NM_022970.4, NM_001144913.1, NM_001144917.2 and 1 more transcripts); c.559T>G, p.Phe187Val (NM_023029.3, NM_001144915.2, NM_001144919.2); c.749-4773T>G (NM_001144914.1); c.481T>G, p.Phe161Val (NM_001144916.2, NM_001144918.2); c.142T>G, p.Phe48Val (NM_001320654.2); short protein forms F276V, F161V, F187V, F48V.
Identifiers: ClinVar variation 374809 (VCV000374809.18), dbSNP rs1057519036, ClinGen allele CA16043919.

ClinVar aggregate classification (germline): Pathogenic. Review status: criteria provided, multiple submitters, no conflicts (2 of 4 stars). 7 submissions from 7 submitters: Pathogenic (5). 2 of the submissions do not count toward it. Last evaluated 2025-08-12.

Conditions:
Crouzon syndrome. Also called: CRANIOFACIAL DYSOSTOSIS, TYPE I; Craniofacial dysostosis; Craniofacial dysostosis type 1; Crouzon craniofacial dysostosis; Crouzon disease. Identifiers: Orphanet 207, MedGen C0010273, MeSH D003394, MONDO:0007405, OMIM 123500, HP:0004439.
FGFR2-related craniosynostosis. Identifiers: MedGen CN231480.

Submissions (7):

GeneDx
Classification: Pathogenic. Last evaluated: 2025-08-12. Review status: criteria provided, single submitter. Criteria: GeneDx Variant Classification Process June 2021. Collection method: clinical testing. Allele origin: germline. Affected: yes.
Comment: Not observed at significant frequency in large population cohorts (gnomAD); In silico analysis supports that this missense variant has a deleterious effect on protein structure/function; This variant is associated with the following publications: (PMID: 24656465, 23754559, 24127277, 9521581, 22355256, 11173845, 11781872, 10633130, 10394936, 17693524, 10541159, 25271085, 35372644, 32178948, 38702915, 29230096)

Labcorp Genetics (formerly Invitae), Labcorp
Classification: Pathogenic for FGFR2-related craniosynostosis. Last evaluated: 2024-12-31. Review status: criteria provided, single submitter. Criteria: Invitae Variant Classification Sherloc (09022015). Collection method: clinical testing. Allele origin: germline.
Comment: This sequence change replaces phenylalanine, which is neutral and non-polar, with valine, which is neutral and non-polar, at codon 276 of the FGFR2 protein (p.Phe276Val). This variant is not present in population databases (gnomAD no frequency). This missense change has been observed in individuals with craniosynostosis conditions, including Crouzon syndrome and Pfeiffer syndrome (PMID: 9521581, 10394936, 10633130, 11781872, 24127277, 24656465). ClinVar contains an entry for this variant (Variation ID: 374809). Invitae Evidence Modeling of protein sequence and biophysical properties (such as structural, functional, and spatial information, amino acid conservation, physicochemical variation, residue mobility, and thermodynamic stability) indicates that this missense variant is expected to disrupt FGFR2 protein function with a positive predictive value of 80%. For these reasons, this variant has been classified as Pathogenic.

Dasa
Classification: Pathogenic. Last evaluated: 2024-09-23. Review status: criteria provided, single submitter. Criteria: DASA Assertion Criteria. Collection method: clinical testing. Allele origin: germline.
Comment: NM_000141.5(FGFR2):c.826T>G (p.Phe276Val) is a missense variant that results in the substitution of phenylalanine with valine. Multiple computational predictions support a deleterious effect on the gene or gene product. Based on the available data, this variant is classified as pathogenic.

Institute for Clinical Genetics, University Hospital TU Dresden, University Hospital TU Dresden
Classification: Pathogenic. Last evaluated: 2021-11-03. Review status: criteria provided, single submitter. Criteria: ACMG Guidelines, 2015. Collection method: clinical testing. Allele origin: germline.

Genomic Diagnostic Laboratory, Division of Genomic Diagnostics, Children's Hospital of Philadelphia
Classification: Pathogenic for Crouzon syndrome. Last evaluated: 2016-09-17. Review status: criteria provided, single submitter. Criteria: DGD Variant Analysis Guidelines. Collection method: clinical testing. Allele origin: germline. Affected: yes. Observed: 4 variant alleles.
Comment: Clinical Testing

Clinical Genetics DNA and cytogenetics Diagnostics Lab, Erasmus MC, Erasmus Medical Center
Classification: Pathogenic. Review status: no assertion criteria provided. Collection method: clinical testing. Allele origin: germline. Affected: yes. Study: VKGL Data-share Consensus. Not counted in ClinVar's aggregate classification.

Joint Genome Diagnostic Labs from Nijmegen and Maastricht, Radboudumc and MUMC+
Classification: Pathogenic. Review status: no assertion criteria provided. Collection method: clinical testing. Allele origin: germline. Affected: yes. Study: VKGL Data-share Consensus. Not counted in ClinVar's aggregate classification.

Literature cited by the submitters: PubMed 9521581 (cited by Labcorp Genetics (formerly Invitae), Labcorp); PubMed 10394936 (cited by Labcorp Genetics (formerly Invitae), Labcorp); PubMed 10633130 (cited by Labcorp Genetics (formerly Invitae), Labcorp); PubMed 11781872 (cited by Labcorp Genetics (formerly Invitae), Labcorp); PubMed 24127277 (cited by Labcorp Genetics (formerly Invitae), Labcorp); PubMed 24656465 (cited by Labcorp Genetics (formerly Invitae), Labcorp).